The following is an entry in ClinVar:

NM_005120.3(MED12):c.653C>T (p.Thr218Met)

Gene: MED12 (mediator complex subunit 12; plus strand). Cytogenetic location: Xq13.1.
Variant type: single nucleotide variant.
Coding change: c.653C>T on transcript NM_005120.3 (MANE Select); coding-DNA position 653, C replaced by T.
Protein change: p.Thr218Met; replaces threonine 218 with methionine.
Molecular consequence: missense variant.
Genome position (GRCh38, 1-based): chrX:71,121,070, C>T. VCF-style: chrX-71121070-C-T. GRCh37 (hg19) VCF-style: chrX-70340920-C-T.
Other names: short protein forms T218M.
Identifiers: ClinVar variation 197770 (VCV000197770.35), dbSNP rs369083173, ClinGen allele CA246095.
Genomic context (GRCh38, chrX:71,121,070, plus strand): 5'-TACAGAAGATGGCTGAATACTACCGGCCAGGGCCTGCAGGAAGTGGGGGCTGTGGTTCCA[C>T]GATAGGGCCCTTGCCCCATGATGTAGAGGTGGCAATCCGGCAGTGGGATTACACCGAGAA-3'
Protein context (NP_005111.2, residues 208-228): GPAGSGGCGS[Thr218Met]IGPLPHDVEV

ClinVar aggregate classification (germline): Conflicting classifications of pathogenicity. Review status: criteria provided, conflicting classifications (1 of 4 stars). 7 submissions from 7 submitters: Uncertain significance (1); Benign (1); Likely benign (4). 1 of the submissions does not count toward it. Last evaluated 2026-01-19.

Conditions:
MED12-Related Disorders. Also called: MED12-related condition; MED12-related disorder. Identifiers: MedGen CN381102.
FG syndrome (FGS). Identifiers: MedGen C0220769, MONDO:0002010.
Familial thoracic aortic aneurysm and aortic dissection (TAAD). Also called: Thoracic aortic aneurysms and dissections. Identifiers: Orphanet 91387, MedGen C4707243, MONDO:0019625.

Allele frequency attached by ClinVar (database versions not stated): gnomAD exomes 0.00004 and 0.00013; ExAC 0.00015; gnomAD 0.00039 and 0.00043; 1000 Genomes Project 30x 0.00042; TOPMed 0.00043; ESP Exome Variant Server 0.00050; 1000 Genomes Project 0.00053.
gnomAD v4.1: 90 of 1,209,564 alleles (0.0074%); highest among the groups gnomAD compares: African/African-American, 0.14%; no homozygotes.

Submissions (7):

Labcorp Genetics (formerly Invitae), Labcorp
Classification: Likely benign for FG syndrome. Last evaluated: 2026-01-19. Review status: criteria provided, single submitter. Criteria: Invitae Variant Classification Sherloc (09022015). Collection method: clinical testing. Allele origin: germline.

CeGaT Center for Human Genetics Tuebingen
Classification: Likely benign. Last evaluated: 2025-01-01. Review status: criteria provided, single submitter. Criteria: CeGaT Center For Human Genetics Tuebingen Variant Classification Criteria Version 2. Collection method: clinical testing. Allele origin: germline. Affected: yes. Observed: 1 variant allele.
Comment: MED12: BS2

Blueprint Genetics
Classification: Likely benign. Last evaluated: 2024-10-22. Review status: criteria provided, single submitter. Criteria: ACMG Guidelines, 2015. Collection method: clinical testing. Allele origin: germline.

GeneDx
Classification: Benign. Last evaluated: 2021-05-19. Review status: criteria provided, single submitter. Criteria: GeneDx Variant Classification Process June 2021. Collection method: clinical testing. Allele origin: germline. Affected: yes.

Ambry Genetics
Classification: Likely benign for Familial thoracic aortic aneurysm and aortic dissection. Last evaluated: 2020-01-06. Review status: criteria provided, single submitter. Criteria: Ambry Variant Classification Scheme 2023. Collection method: clinical testing. Allele origin: germline.

Eurofins Ntd Llc (ga)
Classification: Uncertain significance. Last evaluated: 2015-03-03. Review status: criteria provided, single submitter. Criteria: EGL Classification Definitions 2015. Collection method: clinical testing. Allele origin: germline. Observed: 3 variant alleles, 2 heterozygotes, 1 hemizygote.

PreventionGenetics, part of Exact Sciences
Classification: Likely benign for MED12-related condition. Last evaluated: 2022-08-09. Review status: no assertion criteria provided. Collection method: clinical testing. Allele origin: germline. Not counted in ClinVar's aggregate classification.
Comment: This variant is classified as likely benign based on ACMG/AMP sequence variant interpretation guidelines (Richards et al. 2015 PMID: 25741868, with internal and published modifications).